The following is an entry in ClinVar:

NM_006265.3(RAD21):c.1045dup (p.Thr349fs)

Gene: RAD21 (RAD21 cohesin complex component; minus strand). Cytogenetic location: 8q24.11.
Variant type: Duplication.
Coding change: c.1045dup on transcript NM_006265.3 (MANE Select); coding-DNA position 1045, one base duplicated (A; older notation c.1045dupA).
Protein change: p.Thr349fs; shifts the reading frame from threonine 349.
Molecular consequence: frameshift variant.
Genome position (GRCh38, 1-based): chr8:116,854,361, T duplicated on the plus strand (A on the coding strand, the reverse complement: RAD21 is on the minus strand). VCF-style (leftmost placement, unchanged base first): chr8-116854360-G-GT. GRCh37 (hg19) VCF-style: chr8-117866599-G-GT.
Other names: short protein forms T349fs.
Identifiers: ClinVar variation 2001811 (VCV002001811.4), dbSNP rs2537292932, ClinGen allele CA2580078556.

ClinVar aggregate classification (germline): Pathogenic (1 of 4 stars; one submission).

Conditions:
Cornelia de Lange syndrome 4 (CDLS4). Also called: RAD21-Related Cornelia de Lange Syndrome; CORNELIA DE LANGE SYNDROME 4 WITH OR WITHOUT MIDLINE BRAIN DEFECTS. Identifiers: Orphanet 199, MedGen C3553517, MONDO:0013864, OMIM 614701.

Submission:

Labcorp Genetics (formerly Invitae), Labcorp
Classification: Pathogenic for Cornelia de Lange syndrome 4. Last evaluated: 2022-11-01. Review status: criteria provided, single submitter. Criteria: Invitae Variant Classification Sherloc (09022015). Collection method: clinical testing. Allele origin: germline.
Comment: For these reasons, this variant has been classified as Pathogenic. This variant has not been reported in the literature in individuals affected with RAD21-related conditions. This variant is not present in population databases (gnomAD no frequency). This sequence change creates a premature translational stop signal (p.Thr349Asnfs*35) in the RAD21 gene. It is expected to result in an absent or disrupted protein product. Loss-of-function variants in RAD21 are known to be pathogenic (PMID: 22633399, 24378232, 27620904, 27882533).

Literature cited by the submitters: PubMed 22633399; PubMed 24378232; PubMed 27620904; PubMed 27882533.